The following is an entry in ClinVar:

NM_004655.4(AXIN2):c.1507A>C (p.Lys503Gln)

Gene: AXIN2 (axin 2; minus strand). Cytogenetic location: 17q24.1.
Variant type: single nucleotide variant.
Coding change: c.1507A>C on transcript NM_004655.4 (MANE Select); coding-DNA position 1507, A replaced by C.
Protein change: p.Lys503Gln; replaces lysine 503 with glutamine.
Molecular consequence: missense variant.
Genome position (GRCh38, 1-based): chr17:65,537,529, T>G on the plus strand (A>C on the coding strand, the complement: AXIN2 is on the minus strand). VCF-style: chr17-65537529-T-G. GRCh37 (hg19) VCF-style: chr17-63533647-T-G.
Other names: c.1507A>C, p.Lys503Gln (NM_001363813.1); short protein forms K503Q.
Identifiers: ClinVar variation 1774105 (VCV001774105.2), dbSNP rs2043951146, ClinGen allele CA400677375.

ClinVar aggregate classification (germline): Uncertain significance (1 of 4 stars; one submission).

Conditions:
Hereditary cancer-predisposing syndrome. Also called: Hereditary Cancer Syndrome; Hereditary neoplastic syndrome; Neoplastic Syndromes, Hereditary; Tumor predisposition. Identifiers: Orphanet 140162, MedGen C0027672, MeSH D009386, MONDO:0015356.

Submission:

Ambry Genetics
Classification: Uncertain significance for Hereditary cancer-predisposing syndrome. Last evaluated: 2021-12-11. Review status: criteria provided, single submitter. Criteria: Ambry Variant Classification Scheme 2023. Collection method: clinical testing. Allele origin: germline.
Comment: The p.K503Q variant (also known as c.1507A>C), located in coding exon 5 of the AXIN2 gene, results from an A to C substitution at nucleotide position 1507. The lysine at codon 503 is replaced by glutamine, an amino acid with similar properties. This amino acid position is conserved. In addition, this alteration is predicted to be tolerated by in silico analysis. Since supporting evidence is limited at this time, the clinical significance of this alteration remains unclear.